The following is an entry in ClinVar:

ClinVar aggregate classification (germline): Uncertain significance. Review status: criteria provided, multiple submitters, no conflicts (2 of 4 stars). 2 submissions from 2 submitters: Uncertain significance (2). Last evaluated 2024-04-01.

gnomAD v4.1: 6 of 1,613,962 alleles (0.00037%); highest among the groups gnomAD compares: Middle Eastern, 0.016%; no homozygotes.

Submissions (2):

CeGaT Center for Human Genetics Tuebingen
Classification: Uncertain significance. Last evaluated: 2024-04-01. Review status: criteria provided, single submitter. Criteria: CeGaT Center For Human Genetics Tuebingen Variant Classification Criteria Version 2. Collection method: clinical testing. Allele origin: germline. Affected: yes. Observed: 1 variant allele.
Comment: ABCG8: PM2

Labcorp Genetics (formerly Invitae), Labcorp
Classification: Uncertain significance. Last evaluated: 2022-04-12. Review status: criteria provided, single submitter. Criteria: Invitae Variant Classification Sherloc (09022015). Collection method: clinical testing. Allele origin: germline.
Comment: This sequence change replaces glycine, which is neutral and non-polar, with cysteine, which is neutral and slightly polar, at codon 308 of the ABCG8 protein (p.Gly308Cys). This variant is present in population databases (no rsID available, gnomAD 0.003%). This variant has not been reported in the literature in individuals affected with ABCG8-related conditions. Algorithms developed to predict the effect of missense changes on protein structure and function (SIFT, PolyPhen-2, Align-GVGD) all suggest that this variant is likely to be disruptive. In summary, the available evidence is currently insufficient to determine the role of this variant in disease. Therefore, it has been classified as a Variant of Uncertain Significance.

NM_022437.3(ABCG8):c.922G>T (p.Gly308Cys)

Gene: ABCG8 (ATP binding cassette subfamily G member 8; plus strand). Cytogenetic location: 2p21.
Variant type: single nucleotide variant.
Coding change: c.922G>T on transcript NM_022437.3 (MANE Select); coding-DNA position 922, G replaced by T.
Protein change: p.Gly308Cys; replaces glycine 308 with cysteine.
Molecular consequence: missense variant.
Genome position (GRCh38, 1-based): chr2:43,852,826, G>T. VCF-style: chr2-43852826-G-T. GRCh37 (hg19) VCF-style: chr2-44079965-G-T.
Other names: c.922G>T, p.Gly308Cys (NM_001357321.2); short protein forms G308C.
Identifiers: ClinVar variation 2147255 (VCV002147255.21), dbSNP rs749564472, ClinGen allele CA46441741.